The following is an entry in ClinVar:

NM_000091.5(COL4A3):c.966_967del (p.Leu322fs)

Genes: COL4A3 (collagen type IV alpha 3 chain; plus strand), MFF-DT (MFF divergent transcript; minus strand). Cytogenetic location: 2q36.3.
Variant type: Deletion.
Coding change: c.966_967del on transcript NM_000091.5 (MANE Select); coding-DNA positions 966 to 967, 2 bases deleted (AA; older notation c.966_967delAA).
Protein change: p.Leu322fs; shifts the reading frame from leucine 322.
Molecular consequence: frameshift variant.
Genome position (GRCh38, 1-based): chr2:227,256,375-227,256,376, AA deleted. VCF-style (leftmost placement, unchanged base first): chr2-227256374-TAA-T. GRCh37 (hg19) VCF-style: chr2-228121090-TAA-T.
Other names: short protein forms L322fs.
Identifiers: ClinVar variation 5015336 (VCV005015336.1).

ClinVar aggregate classification (germline): Pathogenic (1 of 4 stars; one submission).

Conditions:
Alport syndrome. Also called: Hemorrhagic familial nephritis; Hemorrhagic hereditary nephritis; Congenital hereditary hematuria. Identifiers: Orphanet 63, MedGen C1567741, MONDO:0018965.

Submission:

Myriad Genetics, Inc.
Classification: Pathogenic for Alport syndrome. Last evaluated: 2025-12-18. Review status: criteria provided, single submitter. Criteria: Myriad Autosomal Dominant, Autosomal Recessive and X-Linked Classification Criteria (2023). Collection method: clinical testing. Allele origin: unknown.
Comment: NM_000091.4(COL4A3):c.966_967delAA(L322Ffs*3) is expected to be pathogenic in the context of Alport syndrome, COL4A3-related. This variant is predicted to lead to an abnormal or absent protein product due to the creation of a premature termination codon in COL4A3, a gene where loss-of-function variants are known to be pathogenic. Please note: this variant was assessed in the context of healthy population screening.